The following is an entry in ClinVar:

NM_001710.6(CFB):c.1775T>C (p.Ile592Thr)

Gene: CFB (complement factor B; plus strand). Cytogenetic location: 6p21.33.
Variant type: single nucleotide variant.
Coding change: c.1775T>C on transcript NM_001710.6 (MANE Select); coding-DNA position 1775, T replaced by C.
Protein change: p.Ile592Thr; replaces isoleucine 592 with threonine.
Molecular consequence: missense variant.
Genome position (GRCh38, 1-based): chr6:31,950,769, T>C. VCF-style: chr6-31950769-T-C. GRCh37 (hg19) VCF-style: chr6-31918546-T-C.
Other names: short protein forms I592T.
Identifiers: ClinVar variation 1000473 (VCV001000473.8), dbSNP rs770907361, ClinGen allele CA3728437.

ClinVar aggregate classification (germline): Uncertain significance (1 of 4 stars; one submission).

Allele frequency attached by ClinVar (database versions not stated): gnomAD 0.00001; TOPMed 0.00001; ExAC 0.00002; gnomAD exomes 0.00002.
gnomAD v4.1: 34 of 1,612,912 alleles (0.0021%); highest among the groups gnomAD compares: Admixed American, 0.012%; no homozygotes.

Submission:

Labcorp Genetics (formerly Invitae), Labcorp
Classification: Uncertain significance. Last evaluated: 2025-04-29. Review status: criteria provided, single submitter. Criteria: Invitae Variant Classification Sherloc (09022015). Collection method: clinical testing. Allele origin: germline.
Comment: This sequence change replaces isoleucine, which is neutral and non-polar, with threonine, which is neutral and polar, at codon 592 of the CFB protein (p.Ile592Thr). This variant is present in population databases (rs770907361, gnomAD 0.02%). This variant has not been reported in the literature in individuals affected with CFB-related conditions. ClinVar contains an entry for this variant (Variation ID: 1000473). Invitae Evidence Modeling of protein sequence and biophysical properties (such as structural, functional, and spatial information, amino acid conservation, physicochemical variation, residue mobility, and thermodynamic stability) indicates that this missense variant is not expected to disrupt CFB protein function with a negative predictive value of 80%. In summary, the available evidence is currently insufficient to determine the role of this variant in disease. Therefore, it has been classified as a Variant of Uncertain Significance.